The following is an entry in ClinVar:

ClinVar aggregate classification (germline): Likely pathogenic (1 of 4 stars; one submission).

Conditions:
Intellectual disability-facial dysmorphism syndrome due to SETD5 haploinsufficiency (MRD23). Also called: Intellectual developmental disorder, autosomal dominant 23. Identifiers: Orphanet 404440, MedGen C3810406, MONDO:0014336, OMIM 615761.

Submission:

Molecular Genetics Laboratory, Motol Hospital
Classification: Likely pathogenic for Intellectual disability-facial dysmorphism syndrome due to SETD5 haploinsufficiency. Last evaluated: 2025-04-15. Review status: criteria provided, single submitter. Criteria: ACMG Guidelines, 2015. Collection method: clinical testing. Allele origin: de novo. Affected: yes. Observed: 1 variant allele.
Comment: Rare variant not present in ClinVar, not present in gnomAD (4.1.0), not in non-Finnish European population (PM2). Rare de novo variants in the SETD5 gene (MIM:615743) are a cause of "autosomal dominant intellectual developmental disorder-23" (MIM:615761; PMID:25138099;PMID:24680889). However, adjacent missense variants are classified as VUS. Therefore, this variant is classified as likely pathogenic. Note: Detected together with another de novo variant NM_001005273.3(CHD3):c.2653G>A as the second likely causative variant which may contribute to the phenotypic manifestation.

Literature cited by the submitters: PubMed 25138099; PubMed 24680889.

NM_001080517.3(SETD5):c.2231A>G (p.His744Arg)

Gene: SETD5 (SET domain containing 5; plus strand). Cytogenetic location: 3p25.3.
Variant type: single nucleotide variant.
Coding change: c.2231A>G on transcript NM_001080517.3 (MANE Select); coding-DNA position 2231, A replaced by G.
Protein change: p.His744Arg; replaces histidine 744 with arginine.
Molecular consequence: missense variant.
Genome position (GRCh38, 1-based): chr3:9,448,515, A>G. VCF-style: chr3-9448515-A-G. GRCh37 (hg19) VCF-style: chr3-9490199-A-G.
Other names: c.1937A>G, p.His646Arg (NM_001292043.2, NM_001349451.2); short protein forms H646R, H744R.
Identifiers: ClinVar variation 3780970 (VCV003780970.1).